The following is an entry in ClinVar:

ClinVar aggregate classification (germline): Uncertain significance (1 of 4 stars; one submission).

Submission:

Labcorp Genetics (formerly Invitae), Labcorp
Classification: Uncertain significance. Last evaluated: 2024-09-29. Review status: criteria provided, single submitter. Criteria: Invitae Variant Classification Sherloc (09022015). Collection method: clinical testing. Allele origin: germline.
Comment: This sequence change replaces methionine, which is neutral and non-polar, with lysine, which is basic and polar, at codon 477 of the CACNA2D4 protein (p.Met477Lys). This variant is not present in population databases (gnomAD no frequency). This variant has not been reported in the literature in individuals affected with CACNA2D4-related conditions. ClinVar contains an entry for this variant (Variation ID: 1492207). An algorithm developed to predict the effect of missense changes on protein structure and function (PolyPhen-2) suggests that this variant is likely to be tolerated. In summary, the available evidence is currently insufficient to determine the role of this variant in disease. Therefore, it has been classified as a Variant of Uncertain Significance.

NM_172364.5(CACNA2D4):c.1430T>A (p.Met477Lys)

Gene: CACNA2D4 (calcium voltage-gated channel auxiliary subunit alpha2delta 4; minus strand). Cytogenetic location: 12p13.33.
Variant type: single nucleotide variant.
Coding change: c.1430T>A on transcript NM_172364.5 (MANE Select); coding-DNA position 1430, T replaced by A.
Protein change: p.Met477Lys; replaces methionine 477 with lysine.
Molecular consequence: missense variant.
Genome position (GRCh38, 1-based): chr12:1,882,922, A>T on the plus strand (T>A on the coding strand, the complement: CACNA2D4 is on the minus strand). VCF-style: chr12-1882922-A-T. GRCh37 (hg19) VCF-style: chr12-1992088-A-T.
Other names: short protein forms M477K.
Identifiers: ClinVar variation 1492207 (VCV001492207.6), dbSNP rs778501555, ClinGen allele CA383356212.